The following is an entry in ClinVar:

ClinVar aggregate classification (germline): Likely benign. Review status: criteria provided, single submitter (1 of 4 stars). 2 submissions from 2 submitters: Likely benign (1). 1 of the submissions does not count toward it. Last evaluated 2025-12-23.

Conditions:
FANCD2-related disorder. Also called: FANCD2-related condition.
Fanconi anemia (FA). Also called: Fanconi's anemia. Identifiers: Orphanet 84, MedGen C0015625, MeSH D005199, MONDO:0019391.

Allele frequency attached by ClinVar (database versions not stated): ExAC 0.00001; TOPMed 0.00002.

Submissions (2):

Labcorp Genetics (formerly Invitae), Labcorp
Classification: Likely benign for Fanconi anemia. Last evaluated: 2025-12-23. Review status: criteria provided, single submitter. Criteria: Invitae Variant Classification Sherloc (09022015). Collection method: clinical testing. Allele origin: germline.

PreventionGenetics, part of Exact Sciences
Classification: Likely benign for FANCD2-related condition. Last evaluated: 2021-04-06. Review status: no assertion criteria provided. Collection method: clinical testing. Allele origin: germline. Not counted in ClinVar's aggregate classification.
Comment: This variant is classified as likely benign based on ACMG/AMP sequence variant interpretation guidelines (Richards et al. 2015 PMID: 25741868, with internal and published modifications).

NM_001018115.3(FANCD2):c.1938A>G (p.Pro646=)

Genes: FANCD2 (FA complementation group D2; plus strand), LOC107303338 (3p25 FANCD2 Alu-mediated recombination region; plus strand). Cytogenetic location: 3p25.3.
Variant type: single nucleotide variant.
Coding change: c.1938A>G on transcript NM_001018115.3 (MANE Select); coding-DNA position 1938, A replaced by G.
Protein change: p.Pro646=; no amino-acid change (proline 646 retained).
Molecular consequence: synonymous variant.
Genome position (GRCh38, 1-based): chr3:10,063,902, A>G. VCF-style: chr3-10063902-A-G. GRCh37 (hg19) VCF-style: chr3-10105586-A-G.
Other names: c.1938A>G, p.Pro646= (NM_001319984.2, NM_001374254.1, NM_033084.6); c.1827A>G, p.Pro609= (NM_001374253.1); c.1938A>G (NM_001018115.2).
Identifiers: ClinVar variation 2900329 (VCV002900329.5), dbSNP rs781517919, ClinGen allele CA2249877.